The following is an entry in ClinVar:

NM_004836.7(EIF2AK3):c.35G>C (p.Arg12Pro)

Gene: EIF2AK3 (eukaryotic translation initiation factor 2 alpha kinase 3; minus strand). Cytogenetic location: 2p11.2.
Variant type: single nucleotide variant.
Coding change: c.35G>C on transcript NM_004836.7 (MANE Select); coding-DNA position 35, G replaced by C.
Protein change: p.Arg12Pro; replaces arginine 12 with proline.
Molecular consequence: missense variant.
Genome position (GRCh38, 1-based): chr2:88,627,240, C>G on the plus strand (G>C on the coding strand, the complement: EIF2AK3 is on the minus strand). VCF-style: chr2-88627240-C-G. GRCh37 (hg19) VCF-style: chr2-88926758-C-G.
Other names: c.35G>C (NM_004836.6, NM_004836.5); short protein forms R12P.
Identifiers: ClinVar variation 1622925 (VCV001622925.12), dbSNP rs756618692, ClinGen allele CA1755021.

ClinVar aggregate classification (germline): Conflicting classifications of pathogenicity. Review status: criteria provided, conflicting classifications (1 of 4 stars). 4 submissions from 4 submitters: Uncertain significance (1); Likely benign (2). 1 of the submissions does not count toward it. Last evaluated 2026-01-27.

Conditions:
Inborn genetic diseases. Identifiers: MedGen C0950123, MeSH D030342.
EIF2AK3-related disorder. Also called: EIF2AK3-related condition.
Wolcott-Rallison dysplasia. Also called: MED-IDDM SYNDROME; Wolcott-Rallison syndrome. Identifiers: Orphanet 1667, MedGen C0432217, MONDO:0009192, OMIM 226980.

Allele frequency attached by ClinVar (database versions not stated): gnomAD 0.00004; TOPMed 0.00008; ExAC 0.00010; gnomAD exomes 0.00013; 1000 Genomes Project 30x 0.00016.
gnomAD v4.1: 63 of 1,482,328 alleles (0.0043%); highest among the groups gnomAD compares: East Asian, 0.13%; no homozygotes.

Submissions (4):

Labcorp Genetics (formerly Invitae), Labcorp
Classification: Likely benign. Last evaluated: 2026-01-27. Review status: criteria provided, single submitter. Criteria: Invitae Variant Classification Sherloc (09022015). Collection method: clinical testing. Allele origin: germline.

ARUP Laboratories, Molecular Genetics and Genomics, ARUP Laboratories
Classification: Uncertain significance for Wolcott-Rallison dysplasia. Last evaluated: 2024-02-19. Review status: criteria provided, single submitter. Criteria: ARUP Molecular Germline Variant Investigation Process 2024. Collection method: clinical testing. Allele origin: germline.
Comment: The EIF2AK3 c.35G>C; p.Arg12Pro variant (rs756618692), to our knowledge, is not reported in the medical literature but is reported in ClinVar (Variation ID: 1622925). This variant is found in the East Asian population with an allele frequency of 0.26% (14/5,390 alleles) in the Genome Aggregation Database (v2.1.1). Computational analyses predict that this variant is neutral (REVEL: 0.101). While the high population frequency suggests that this is likely a benign variant, given the lack of clinical and functional data, the significance of this variant is uncertain at this time.

Ambry Genetics
Classification: Likely benign for Inborn genetic diseases. Last evaluated: 2023-02-28. Review status: criteria provided, single submitter. Criteria: Ambry Variant Classification Scheme 2023. Collection method: clinical testing. Allele origin: germline.

PreventionGenetics, part of Exact Sciences
Classification: Uncertain significance for EIF2AK3-related condition. Last evaluated: 2024-02-29. Review status: no assertion criteria provided. Collection method: clinical testing. Allele origin: germline. Not counted in ClinVar's aggregate classification.
Comment: The EIF2AK3 c.35G>C variant is predicted to result in the amino acid substitution p.Arg12Pro. To our knowledge, this variant has not been reported in the literature. This variant is reported in 0.26% of alleles in individuals of East Asian descent in gnomAD. At this time, the clinical significance of this variant is uncertain due to the absence of conclusive functional and genetic evidence.